The following is an entry in ClinVar:

NM_004006.3(DMD):c.9074A>G (p.Lys3025Arg)

Gene: DMD (dystrophin; minus strand). Cytogenetic location: Xp21.2.
Variant type: single nucleotide variant.
Coding change: c.9074A>G on transcript NM_004006.3 (MANE Select); coding-DNA position 9074, A replaced by G.
Protein change: p.Lys3025Arg; replaces lysine 3025 with arginine.
Molecular consequence: missense variant.
Genome position (GRCh38, 1-based): chrX:31,444,491, T>C on the plus strand (A>G on the coding strand, the complement: DMD is on the minus strand). VCF-style: chrX-31444491-T-C. GRCh37 (hg19) VCF-style: chrX-31462608-T-C.
Other names: c.9050A>G, p.Lys3017Arg (NM_000109.4); c.9062A>G, p.Lys3021Arg (NM_004009.3); c.8705A>G, p.Lys2902Arg (NM_004010.3); c.5051A>G, p.Lys1684Arg (NM_004011.4); c.5042A>G, p.Lys1681Arg (NM_004012.4); c.1694A>G, p.Lys565Arg (NM_004013.3, NM_004020.4, NM_004021.3 and 2 more transcripts); c.887A>G, p.Lys296Arg (NM_004014.3); short protein forms K3025R, K1684R, K296R, K3017R, K2902R, K1681R, K3021R, K565R.
Identifiers: ClinVar variation 388851 (VCV000388851.9), dbSNP rs778961643, ClinGen allele CA10377930.

ClinVar aggregate classification (germline): Conflicting classifications of pathogenicity. Review status: criteria provided, conflicting classifications (1 of 4 stars). 3 submissions from 3 submitters: Uncertain significance (2); Likely benign (1). Last evaluated 2021-08-28.

Conditions:
Duchenne muscular dystrophy (DMD). Also called: MUSCULAR DYSTROPHY, PSEUDOHYPERTROPHIC PROGRESSIVE, DUCHENNE TYPE; Duchenne Muscular Dystrophy (DMD). Identifiers: Orphanet 98896, MedGen C0013264, MONDO:0010679, OMIM 310200.

Allele frequency attached by ClinVar (database versions not stated): ExAC 0.00001; gnomAD 0.00001; gnomAD exomes 0.00001; TOPMed 0.00002.
gnomAD v4.1: 1 of 1,210,049 alleles (0.000083%); highest among the groups gnomAD compares: African/African-American, 0.0017%; no homozygotes.

Submissions (3):

Labcorp Genetics (formerly Invitae), Labcorp
Classification: Uncertain significance for Duchenne muscular dystrophy. Last evaluated: 2021-08-28. Review status: criteria provided, single submitter. Criteria: Invitae Variant Classification Sherloc (09022015). Collection method: clinical testing. Allele origin: germline.
Comment: This sequence change replaces lysine with arginine at codon 3025 of the DMD protein (p.Lys3025Arg). The lysine residue is highly conserved and there is a small physicochemical difference between lysine and arginine. This variant is present in population databases (rs778961643, ExAC 0.01%). This variant has not been reported in the literature in individuals affected with DMD-related conditions. ClinVar contains an entry for this variant (Variation ID: 388851). Algorithms developed to predict the effect of missense changes on protein structure and function output the following: SIFT: "Tolerated"; PolyPhen-2: "Possibly Damaging"; Align-GVGD: "Class C0". The arginine amino acid residue is found in multiple mammalian species, which suggests that this missense change does not adversely affect protein function. In summary, the available evidence is currently insufficient to determine the role of this variant in disease. Therefore, it has been classified as a Variant of Uncertain Significance.

Revvity Omics, Revvity
Classification: Uncertain significance. Last evaluated: 2020-07-09. Review status: criteria provided, single submitter. Criteria: ACMG Guidelines, 2015. Collection method: clinical testing. Allele origin: germline.

GeneDx
Classification: Likely benign. Last evaluated: 2016-08-31. Review status: criteria provided, single submitter. Criteria: GeneDx Variant Classification (06012015). Collection method: clinical testing. Allele origin: germline. Affected: yes.
Comment: This variant is considered likely benign or benign based on one or more of the following criteria: it is a conservative change, it occurs at a poorly conserved position in the protein, it is predicted to be benign by multiple in silico algorithms, and/or has population frequency not consistent with disease.